The following is an entry in ClinVar:

ClinVar aggregate classification (germline): Pathogenic (1 of 4 stars; one submission).

Conditions:
Hereditary cancer-predisposing syndrome. Also called: Tumor predisposition; Hereditary Cancer Syndrome; Neoplastic Syndromes, Hereditary; Hereditary neoplastic syndrome. Identifiers: Orphanet 140162, MedGen C0027672, MeSH D009386, MONDO:0015356.

Submission:

Ambry Genetics
Classification: Pathogenic for Hereditary cancer-predisposing syndrome. Last evaluated: 2022-01-21. Review status: criteria provided, single submitter. Criteria: Ambry Variant Classification Scheme 2023. Collection method: clinical testing. Allele origin: germline.
Comment: The c.2656delA pathogenic mutation, located in coding exon 4 of the MSH6 gene, results from a deletion of one nucleotide at nucleotide position 2656, causing a translational frameshift with a predicted alternate stop codon (p.I886Sfs*20). This alteration is expected to result in loss of function by premature protein truncation or nonsense-mediated mRNA decay. As such, this alteration is interpreted as a disease-causing mutation.

NM_000179.3(MSH6):c.2656del (p.Ile886fs)

Gene: MSH6 (mutS homolog 6; plus strand). Cytogenetic location: 2p16.3.
Variant type: Deletion.
Coding change: c.2656del on transcript NM_000179.3 (MANE Select); coding-DNA position 2656, one base deleted (A; older notation c.2656delA).
Protein change: p.Ile886fs; shifts the reading frame from isoleucine 886.
Molecular consequence: frameshift variant.
Genome position (GRCh38, 1-based): chr2:47,800,639, A deleted; the last of 4 consecutive A bases (chr2:47,800,636-47,800,639); deleting any one gives the same sequence. VCF-style (leftmost placement, unchanged base first): chr2-47800635-TA-T. GRCh37 (hg19) VCF-style: chr2-48027774-TA-T.
Other names: c.2266del, p.Ile756fs (NM_001281492.2); c.1750del, p.Ile584fs (NM_001281493.2, NM_001281494.2); c.2752delA, p.Ile918Serfs (NM_001406795.1, NM_001406802.1); c.2656delA, p.Ile886Serfs (NM_001406796.1, NM_001406798.1, NM_001406800.1 and 2 more transcripts); c.2359delA, p.Ile787Serfs (NM_001406797.1, NM_001406801.1, NM_001406805.1 and 10 more transcripts); c.2131delA, p.Ile711Serfs (NM_001406799.1, NM_001406806.1, NM_001406807.1); c.2578delA, p.Ile860Serfs (NM_001406804.1); c.1750delA, p.Ile584Serfs (NM_001406811.1, NM_001406812.1, NM_001406814.1 and 4 more transcripts); and 2 more; short protein forms I584fs, I756fs, I886fs.
Identifiers: ClinVar variation 1794382 (VCV001794382.2), dbSNP rs2530685196, ClinGen allele CA2580067973.